The following is an entry in ClinVar:

NM_001130969.3(NSMF):c.1131+9C>T

Gene: NSMF (NMDA receptor synaptonuclear signaling and neuronal migration factor; minus strand). Cytogenetic location: 9q34.3.
Variant type: single nucleotide variant.
Coding change: c.1131+9C>T on transcript NM_001130969.3 (MANE Select); 9 bases into the intron after coding-DNA position 1131, C replaced by T.
Molecular consequence: intron variant.
Genome position (GRCh38, 1-based): chr9:137,452,727, G>A on the plus strand (C>T on the coding strand, the complement: NSMF is on the minus strand). VCF-style: chr9-137452727-G-A. GRCh37 (hg19) VCF-style: chr9-140347179-G-A.
Other names: c.1056+9C>T (NM_001130971.2); c.1125+9C>T (NM_015537.5); c.1062+9C>T (NM_001130970.2); c.1041+9C>T (NM_001178064.2); c.1131+9C>T (NM_001130969.1).
Identifiers: ClinVar variation 4906245 (VCV004906245.2).

ClinVar aggregate classification (germline): Likely benign. Review status: criteria provided, multiple submitters, no conflicts (2 of 4 stars). 2 submissions from 2 submitters: Likely benign (2). Last evaluated 2026-02-16.

Conditions:
NSMF-related disorder. Also called: NSMF-related condition.

Submissions (2):

PreventionGenetics, part of Exact Sciences
Classification: Likely benign for NSMF-related condition. Last evaluated: 2026-02-16. Review status: criteria provided, single submitter. Criteria: ACMG Guidelines, 2015. Collection method: clinical testing. Allele origin: germline.
Comment: This variant is classified as likely benign based on ACMG/AMP sequence variant interpretation guidelines (Richards et al. 2015 PMID: 25741868, with internal and published modifications).

Blueprint Genetics
Classification: Likely benign. Last evaluated: 2023-10-10. Review status: criteria provided, single submitter. Criteria: ACMG Guidelines, 2015. Collection method: clinical testing. Allele origin: germline.